The following is an entry in ClinVar:

ClinVar aggregate classification (germline): Uncertain significance. Review status: criteria provided, multiple submitters, no conflicts (2 of 4 stars). 3 submissions from 3 submitters: Uncertain significance (3). Last evaluated 2024-05-16.

Conditions:
Fanconi anemia complementation group J. Also called: BRIP1-Related Fanconi Anemia. Identifiers: Orphanet 84, MedGen C1836860, MONDO:0012187, OMIM 609054.
Familial cancer of breast. Also called: BREAST CANCER, FAMILIAL; hereditary breast carcinoma; Hereditary breast cancer. Identifiers: Orphanet 227535, MedGen C0346153, MONDO:0016419, OMIM 114480. Disease mechanism: loss of function.
Hereditary cancer-predisposing syndrome. Also called: Tumor predisposition; Neoplastic Syndromes, Hereditary; Hereditary Cancer Syndrome; Hereditary neoplastic syndrome. Identifiers: Orphanet 140162, MedGen C0027672, MeSH D009386, MONDO:0015356.

Submissions (3):

Ambry Genetics
Classification: Uncertain significance for Hereditary cancer-predisposing syndrome. Last evaluated: 2024-05-16. Review status: criteria provided, single submitter. Criteria: Ambry Variant Classification Scheme 2023. Collection method: clinical testing. Allele origin: germline.
Comment: The p.K995E variant (also known as c.2983A>G), located in coding exon 19 of the BRIP1 gene, results from an A to G substitution at nucleotide position 2983. The lysine at codon 995 is replaced by glutamic acid, an amino acid with similar properties. This amino acid position is highly conserved in available vertebrate species. In addition, this alteration is predicted to be tolerated by in silico analysis. Based on the available evidence, the clinical significance of this variant remains unclear.

Labcorp Genetics (formerly Invitae), Labcorp
Classification: Uncertain significance for Familial cancer of breast; Fanconi anemia complementation group J. Last evaluated: 2021-11-19. Review status: criteria provided, single submitter. Criteria: Invitae Variant Classification Sherloc (09022015). Collection method: clinical testing. Allele origin: germline.
Comment: In summary, the available evidence is currently insufficient to determine the role of this variant in disease. Therefore, it has been classified as a Variant of Uncertain Significance. Algorithms developed to predict the effect of missense changes on protein structure and function (SIFT, PolyPhen-2, Align-GVGD) all suggest that this variant is likely to be tolerated. ClinVar contains an entry for this variant (Variation ID: 489828). This variant has not been reported in the literature in individuals affected with BRIP1-related conditions. This variant is not present in population databases (gnomAD no frequency). This sequence change replaces lysine, which is basic and polar, with glutamic acid, which is acidic and polar, at codon 995 of the BRIP1 protein (p.Lys995Glu).

Color Diagnostics, LLC DBA Color Health
Classification: Uncertain significance for Hereditary cancer-predisposing syndrome. Last evaluated: 2019-04-03. Review status: criteria provided, single submitter. Criteria: ACMG Guidelines, 2015. Collection method: clinical testing. Allele origin: germline.

NM_032043.3(BRIP1):c.2983A>G (p.Lys995Glu)

Gene: BRIP1 (BRCA1 interacting DNA helicase 1; minus strand). Cytogenetic location: 17q23.2.
Variant type: single nucleotide variant.
Coding change: c.2983A>G on transcript NM_032043.3 (MANE Select); coding-DNA position 2983, A replaced by G.
Protein change: p.Lys995Glu; replaces lysine 995 with glutamic acid.
Molecular consequence: missense variant.
Genome position (GRCh38, 1-based): chr17:61,684,063, T>C on the plus strand (A>G on the coding strand, the complement: BRIP1 is on the minus strand). VCF-style: chr17-61684063-T-C. GRCh37 (hg19) VCF-style: chr17-59761424-T-C.
Other names: short protein forms K995E.
Identifiers: ClinVar variation 489828 (VCV000489828.12), dbSNP rs1555572929, ClinGen allele CA400480609.